The following is an entry in ClinVar:

ClinVar aggregate classification (germline): Uncertain significance. Review status: criteria provided, multiple submitters, no conflicts (2 of 4 stars). 2 submissions from 2 submitters: Uncertain significance (2). Last evaluated 2025-09-03.

Conditions:
Inborn genetic diseases. Identifiers: MedGen C0950123, MeSH D030342.

Allele frequency attached by ClinVar (database versions not stated): gnomAD exomes below 0.00001 and 0.00001; gnomAD 0.00004 and 0.00005; TOPMed 0.00005.
gnomAD v4.1: 11 of 1,614,082 alleles (0.00068%); highest among the groups gnomAD compares: African/African-American, 0.015%; no homozygotes.

Submissions (2):

Labcorp Genetics (formerly Invitae), Labcorp
Classification: Uncertain significance. Last evaluated: 2025-09-03. Review status: criteria provided, single submitter. Criteria: Invitae Variant Classification Sherloc (09022015). Collection method: clinical testing. Allele origin: germline.
Comment: This sequence change replaces proline, which is neutral and non-polar, with serine, which is neutral and polar, at codon 798 of the DSG1 protein (p.Pro798Ser). This variant is present in population databases (no rsID available, gnomAD 0.02%). This variant has not been reported in the literature in individuals affected with DSG1-related conditions. ClinVar contains an entry for this variant (Variation ID: 1402418). An algorithm developed to predict the effect of missense changes on protein structure and function (PolyPhen-2) suggests that this variant is likely to be tolerated. In summary, the available evidence is currently insufficient to determine the role of this variant in disease. Therefore, it has been classified as a Variant of Uncertain Significance.

Ambry Genetics
Classification: Uncertain significance for Inborn genetic diseases. Last evaluated: 2024-11-25. Review status: criteria provided, single submitter. Criteria: Ambry Variant Classification Scheme 2023. Collection method: clinical testing. Allele origin: germline.

NM_001942.4(DSG1):c.2392C>T (p.Pro798Ser)

Genes: DSG1 (desmoglein 1; plus strand), DSG1-AS1 (DSG1 antisense RNA 1; minus strand), LOC126862720 (MED14-independent group 3 enhancer GRCh37_chr18:28933613-28934812; plus strand). Cytogenetic location: 18q12.1.
Variant type: single nucleotide variant.
Coding change: c.2392C>T on transcript NM_001942.4 (MANE Select); coding-DNA position 2392, C replaced by T.
Protein change: p.Pro798Ser; replaces proline 798 with serine.
Molecular consequence: missense variant.
Genome position (GRCh38, 1-based): chr18:31,354,588, C>T. VCF-style: chr18-31354588-C-T. GRCh37 (hg19) VCF-style: chr18-28934551-C-T.
Other names: c.2392C>T (NM_001942.2); short protein forms P798S.
Identifiers: ClinVar variation 1402418 (VCV001402418.8), dbSNP rs748357989, ClinGen allele CA297704308.
Genomic context (GRCh38, chr18:31,354,588, plus strand): 5'-CAAAGCACTGAACCAGTTTGCCTTCCTCAGGAAACAGAGCCCGTTGTTAGTGGACACCCA[C>T]CAATCTCCCCACATTTCGGCACTACCACAGTAATTTCTGAGAGCACCTATCCCTCGGGAC-3'
Protein context (NP_001933.2, residues 788-808): ETEPVVSGHP[Pro798Ser]ISPHFGTTTV